The following is an entry in ClinVar:

NM_024408.4(NOTCH2):c.4840C>A (p.Gln1614Lys)

Gene: NOTCH2 (notch receptor 2; minus strand). Cytogenetic location: 1p12.
Variant type: single nucleotide variant.
Coding change: c.4840C>A on transcript NM_024408.4 (MANE Select); coding-DNA position 4840, C replaced by A.
Protein change: p.Gln1614Lys; replaces glutamine 1614 with lysine.
Molecular consequence: missense variant.
Genome position (GRCh38, 1-based): chr1:119,923,656, G>T on the plus strand (C>A on the coding strand, the complement: NOTCH2 is on the minus strand). VCF-style: chr1-119923656-G-T. GRCh37 (hg19) VCF-style: chr1-120466279-G-T.
Other names: short protein forms Q1614K.
Identifiers: ClinVar variation 1437319 (VCV001437319.4), dbSNP rs1557805633, ClinGen allele CA341888430.

ClinVar aggregate classification (germline): Uncertain significance (1 of 4 stars; one submission).

Conditions:
Hajdu-Cheney syndrome (HJCYS). Also called: ACROOSTEOLYSIS WITH OSTEOPOROSIS AND CHANGES IN SKULL AND MANDIBLE; SERPENTINE FIBULA-POLYCYSTIC KIDNEY SYNDROME; Acroosteolysis dominant type. Identifiers: Orphanet 955, MedGen C0917715, MONDO:0007057, OMIM 102500.

Allele frequency attached by ClinVar (database versions not stated): gnomAD exomes below 0.00001.
gnomAD v4.1: 1 of 1,614,034 alleles (0.000062%); highest among the groups gnomAD compares: Admixed American, 0.0017%; no homozygotes.

Submission:

Labcorp Genetics (formerly Invitae), Labcorp
Classification: Uncertain significance for Hajdu-Cheney syndrome. Last evaluated: 2021-09-27. Review status: criteria provided, single submitter. Criteria: Invitae Variant Classification Sherloc (09022015). Collection method: clinical testing. Allele origin: germline.
Comment: In summary, the available evidence is currently insufficient to determine the role of this variant in disease. Therefore, it has been classified as a Variant of Uncertain Significance. Advanced modeling of protein sequence and biophysical properties (such as structural, functional, and spatial information, amino acid conservation, physicochemical variation, residue mobility, and thermodynamic stability) performed at Invitae indicates that this missense variant is not expected to disrupt NOTCH2 protein function. This variant has not been reported in the literature in individuals affected with NOTCH2-related conditions. This variant is not present in population databases (ExAC no frequency). This sequence change replaces glutamine with lysine at codon 1614 of the NOTCH2 protein (p.Gln1614Lys). The glutamine residue is moderately conserved and there is a small physicochemical difference between glutamine and lysine.